The following is an entry in ClinVar:

ClinVar aggregate classification (germline): Uncertain significance (1 of 4 stars; one submission).

Conditions:
Dystonia 12 (DYT12). Also called: Rapid-Onset Dystonia-Parkinsonism (RDP); DYT-ATP1A3. Identifiers: Orphanet 71517, MedGen C1868681, MONDO:0007496, OMIM 128235.

Submission:

Labcorp Genetics (formerly Invitae), Labcorp
Classification: Uncertain significance for Dystonia 12. Last evaluated: 2024-10-29. Review status: criteria provided, single submitter. Criteria: Invitae Variant Classification Sherloc (09022015). Collection method: clinical testing. Allele origin: germline.
Comment: This sequence change replaces threonine, which is neutral and polar, with alanine, which is neutral and non-polar, at codon 237 of the ATP1A3 protein (p.Thr237Ala). This variant is not present in population databases (gnomAD no frequency). This variant has not been reported in the literature in individuals affected with ATP1A3-related conditions. Invitae Evidence Modeling of protein sequence and biophysical properties (such as structural, functional, and spatial information, amino acid conservation, physicochemical variation, residue mobility, and thermodynamic stability) indicates that this missense variant is expected to disrupt ATP1A3 protein function with a positive predictive value of 95%. In summary, the available evidence is currently insufficient to determine the role of this variant in disease. Therefore, it has been classified as a Variant of Uncertain Significance.

NM_152296.5(ATP1A3):c.709A>G (p.Thr237Ala)

Gene: ATP1A3 (ATPase Na+/K+ transporting subunit alpha 3; minus strand). Cytogenetic location: 19q13.2.
Variant type: single nucleotide variant.
Coding change: c.709A>G on transcript NM_152296.5 (MANE Select); coding-DNA position 709, A replaced by G.
Protein change: p.Thr237Ala; replaces threonine 237 with alanine.
Molecular consequence: missense variant.
Genome position (GRCh38, 1-based): chr19:41,985,321, T>C on the plus strand (A>G on the coding strand, the complement: ATP1A3 is on the minus strand). VCF-style: chr19-41985321-T-C. GRCh37 (hg19) VCF-style: chr19-42489473-T-C.
Other names: c.742A>G, p.Thr248Ala (NM_001256213.2); c.748A>G, p.Thr250Ala (NM_001256214.2); short protein forms T237A, T250A, T248A.
Identifiers: ClinVar variation 2699170 (VCV002699170.3), dbSNP rs2514076607, ClinGen allele CA406053338.